The following is an entry in ClinVar:

NM_001160148.2(DDHD1):c.2408A>G (p.His803Arg)

Gene: DDHD1 (DDHD domain containing 1; minus strand). Cytogenetic location: 14q22.1.
Variant type: single nucleotide variant.
Coding change: c.2408A>G on transcript NM_001160148.2 (MANE Select); coding-DNA position 2408, A replaced by G.
Protein change: p.His803Arg; replaces histidine 803 with arginine.
Molecular consequence: missense variant.
Genome position (GRCh38, 1-based): chr14:53,054,467, T>C on the plus strand (A>G on the coding strand, the complement: DDHD1 is on the minus strand). VCF-style: chr14-53054467-T-C. GRCh37 (hg19) VCF-style: chr14-53521185-T-C.
Other names: c.2429A>G, p.His810Arg (NM_001160147.2); c.2408A>G, p.His803Arg (NM_030637.3); c.2408A>G (NM_001160148.1); short protein forms H803R, H810R.
Identifiers: ClinVar variation 464309 (VCV000464309.45), dbSNP rs144016130, ClinGen allele CA7191004.
Genomic context (GRCh38, chr14:53,054,467, plus strand): 5'-ATCAACTTAAGGAAATAATGTATGAACTAACATGCAGAATCGAGGAAGCCAGAACTGCTA[T>C]GTGGAAGGGTCTGTGTCCCTACGGTGGTAGCAGAAGGTGAGGCAACTGGCTTCTTCTCAT-3'
Protein context (NP_001153620.1, residues 793-813): ATTVGTQTLP[His803Arg]SSSGFLDSAY

ClinVar aggregate classification (germline): Conflicting classifications of pathogenicity. Review status: criteria provided, conflicting classifications (1 of 4 stars). 6 submissions from 6 submitters: Uncertain significance (3); Benign (1); Likely benign (1). 1 of the submissions does not count toward it. Last evaluated 2026-01-20.

Conditions:
Hereditary spastic paraplegia. Also called: Familial spastic paraparesis. Identifiers: Orphanet 685, MedGen C0037773, MONDO:0019064. Disease mechanism: loss of function.
DDHD1-related disorder. Also called: DDHD1-related condition.
Inborn genetic diseases. Identifiers: MedGen C0950123, MeSH D030342.
Hereditary spastic paraplegia 28. Also called: Spastic paraplegia 28, autosomal recessive. Identifiers: Orphanet 101008, MedGen C1836295, MONDO:0012256, OMIM 609340.

Allele frequency attached by ClinVar (database versions not stated): ExAC 0.00068; gnomAD 0.00073; TOPMed 0.00075; ESP Exome Variant Server 0.00108.
gnomAD v4.1: 1,849 of 1,613,902 alleles (0.11%); highest among the groups gnomAD compares: Non-Finnish European, 0.14%; 3 homozygotes.

Submissions (6):

Labcorp Genetics (formerly Invitae), Labcorp
Classification: Benign for Hereditary spastic paraplegia 28. Last evaluated: 2026-01-20. Review status: criteria provided, single submitter. Criteria: Invitae Variant Classification Sherloc (09022015). Collection method: clinical testing. Allele origin: germline.

CeGaT Center for Human Genetics Tuebingen
Classification: Likely benign. Last evaluated: 2025-09-01. Review status: criteria provided, single submitter. Criteria: CeGaT Center For Human Genetics Tuebingen Variant Classification Criteria Version 2. Collection method: clinical testing. Allele origin: germline. Affected: yes. Observed: 5 variant alleles.
Comment: DDHD1: BP4

Mayo Clinic Laboratories, Mayo Clinic
Classification: Uncertain significance. Last evaluated: 2022-12-06. Review status: criteria provided, single submitter. Criteria: ACMG Guidelines, 2015. Collection method: clinical testing. Allele origin: germline. Observed: 3 variant alleles.
Comment: BP4

Ambry Genetics
Classification: Uncertain significance for Inborn genetic diseases. Last evaluated: 2021-08-17. Review status: criteria provided, single submitter. Criteria: Ambry Variant Classification Scheme 2023. Collection method: clinical testing. Allele origin: germline.

Genome Diagnostics Laboratory, The Hospital for Sick Children
Classification: Uncertain significance for Hereditary spastic paraplegia. Last evaluated: 2016-12-16. Review status: criteria provided, single submitter. Criteria: ACMG Guidelines, 2015. Collection method: clinical testing. Allele origin: germline. Affected: yes.

PreventionGenetics, part of Exact Sciences
Classification: Likely benign for DDHD1-related condition. Last evaluated: 2020-02-14. Review status: no assertion criteria provided. Collection method: clinical testing. Allele origin: germline. Not counted in ClinVar's aggregate classification.
Comment: This variant is classified as likely benign based on ACMG/AMP sequence variant interpretation guidelines (Richards et al. 2015 PMID: 25741868, with internal and published modifications).